The following is an entry in ClinVar:

NM_172364.5(CACNA2D4):c.2269A>C (p.Met757Leu)

Gene: CACNA2D4 (calcium voltage-gated channel auxiliary subunit alpha2delta 4; minus strand). Cytogenetic location: 12p13.33.
Variant type: single nucleotide variant.
Coding change: c.2269A>C on transcript NM_172364.5 (MANE Select); coding-DNA position 2269, A replaced by C.
Protein change: p.Met757Leu; replaces methionine 757 with leucine.
Molecular consequence: missense variant.
Genome position (GRCh38, 1-based): chr12:1,846,667, T>G on the plus strand (A>C on the coding strand, the complement: CACNA2D4 is on the minus strand). VCF-style: chr12-1846667-T-G. GRCh37 (hg19) VCF-style: chr12-1955833-T-G.
Other names: short protein forms M757L.
Identifiers: ClinVar variation 1415057 (VCV001415057.8), dbSNP rs1471402337, ClinGen allele CA383359655.
Genomic context (GRCh38, chr12:1,846,667, plus strand): 5'-TCTCGGAGCCCACGAACAAGCTGCTTCTCAGGAGGCCAGCCCGGGTGCCCAGGAAGGCCA[T>G]GTCCACCACGTGTTCAGACTCCCTGTGTGGCAGACAGAGCGGGAATGGTCACCACATGGC-3'
Protein context (NP_758952.4, residues 747-767): MSEESEHVVD[Met757Leu]AFLGTRAGLL

ClinVar aggregate classification (germline): Uncertain significance (1 of 4 stars; one submission).

Submission:

Labcorp Genetics (formerly Invitae), Labcorp
Classification: Uncertain significance. Last evaluated: 2022-07-12. Review status: criteria provided, single submitter. Criteria: Invitae Variant Classification Sherloc (09022015). Collection method: clinical testing. Allele origin: germline.
Comment: This sequence change replaces methionine, which is neutral and non-polar, with leucine, which is neutral and non-polar, at codon 757 of the CACNA2D4 protein (p.Met757Leu). This variant is not present in population databases (gnomAD no frequency). This variant has not been reported in the literature in individuals affected with CACNA2D4-related conditions. ClinVar contains an entry for this variant (Variation ID: 1415057). Algorithms developed to predict the effect of missense changes on protein structure and function output the following: SIFT: "Tolerated"; PolyPhen-2: "Benign"; Align-GVGD: "Class C0". The leucine amino acid residue is found in multiple mammalian species, which suggests that this missense change does not adversely affect protein function. In summary, the available evidence is currently insufficient to determine the role of this variant in disease. Therefore, it has been classified as a Variant of Uncertain Significance.